The following is an entry in ClinVar:

ClinVar aggregate classification (germline): Uncertain significance (1 of 4 stars; one submission).

Conditions:
Inborn genetic diseases. Identifiers: MedGen C0950123, MeSH D030342.

Submission:

Ambry Genetics
Classification: Uncertain significance for Inborn genetic diseases. Last evaluated: 2024-10-12. Review status: criteria provided, single submitter. Criteria: Ambry Variant Classification Scheme 2023. Collection method: clinical testing. Allele origin: germline.
Comment: The p.Y983H variant (also known as c.2947T>C), located in coding exon 23 of the LRRK2 gene, results from a T to C substitution at nucleotide position 2947. The tyrosine at codon 983 is replaced by histidine, an amino acid with similar properties. This amino acid position is conserved. In addition, this alteration is predicted to be tolerated by in silico analysis. Based on the available evidence, the clinical significance of this variant remains unclear.

NM_198578.4(LRRK2):c.2947T>C (p.Tyr983His)

Gene: LRRK2 (leucine rich repeat kinase 2; plus strand). Cytogenetic location: 12q12.
Variant type: single nucleotide variant.
Coding change: c.2947T>C on transcript NM_198578.4 (MANE Select); coding-DNA position 2947, T replaced by C.
Protein change: p.Tyr983His; replaces tyrosine 983 with histidine.
Molecular consequence: missense variant.
Genome position (GRCh38, 1-based): chr12:40,295,495, T>C. VCF-style: chr12-40295495-T-C. GRCh37 (hg19) VCF-style: chr12-40689297-T-C.
Other names: short protein forms Y983H.
Identifiers: ClinVar variation 3540725 (VCV003540725.1).
Genomic context (GRCh38, chr12:40,295,495, plus strand): 5'-AAACTTCAATCCCATATGAGGCATTCAGACAGCATTTCTTCTCTGGCTTCTGAGAGAGAA[T>C]ATATTACATCACTAGACCTTTCAGCAAATGAACTAAGAGATATTGATGCCCTAAGCCAGA-3'
Protein context (NP_940980.4, residues 973-993): SISSLASERE[Tyr983His]ITSLDLSANE